The following is an entry in ClinVar:

ClinVar aggregate classification (germline): Uncertain significance (1 of 4 stars; one submission).

Submission:

Ambry Genetics
Classification: Uncertain significance. Last evaluated: 2025-03-24. Review status: criteria provided, single submitter. Criteria: Ambry Variant Classification Scheme 2023. Collection method: clinical testing. Allele origin: germline.
Comment: The p.P896A variant (also known as c.2686C>G), located in coding exon 13 of the GEN1 gene, results from a C to G substitution at nucleotide position 2686. The proline at codon 896 is replaced by alanine, an amino acid with highly similar properties. This amino acid position is conserved. In addition, the in silico prediction for this alteration is inconclusive. Based on the available evidence, the clinical significance of this variant remains unclear.

NM_001130009.3(GEN1):c.2686C>G (p.Pro896Ala)

Gene: GEN1 (GEN1 Holliday junction 5' flap endonuclease; plus strand). Cytogenetic location: 2p24.2.
Variant type: single nucleotide variant.
Coding change: c.2686C>G on transcript NM_001130009.3 (MANE Select); coding-DNA position 2686, C replaced by G.
Protein change: p.Pro896Ala; replaces proline 896 with alanine.
Molecular consequence: missense variant.
Genome position (GRCh38, 1-based): chr2:17,781,898, C>G. VCF-style: chr2-17781898-C-G. GRCh37 (hg19) VCF-style: chr2-17963165-C-G.
Other names: c.2686C>G, p.Pro896Ala (NM_182625.5); short protein forms P896A.
Identifiers: ClinVar variation 4029160 (VCV004029160.1).